The following is an entry in ClinVar:

NM_005751.5(AKAP9):c.6146T>C (p.Met2049Thr)

Gene: AKAP9 (A-kinase anchoring protein 9; plus strand). Cytogenetic location: 7q21.2.
Variant type: single nucleotide variant.
Coding change: c.6146T>C on transcript NM_005751.5 (MANE Select); coding-DNA position 6146, T replaced by C.
Protein change: p.Met2049Thr; replaces methionine 2049 with threonine.
Molecular consequence: missense variant.
Genome position (GRCh38, 1-based): chr7:92,065,399, T>C. VCF-style: chr7-92065399-T-C. GRCh37 (hg19) VCF-style: chr7-91694713-T-C.
Other names: c.791T>C, p.Met264Thr (NM_001379277.1); c.6146T>C, p.Met2049Thr (NM_147185.3); short protein forms M2049T, M264T.
Identifiers: ClinVar variation 967252 (VCV000967252.10), dbSNP rs1810610818, ClinGen allele CA368132717.
Genomic context (GRCh38, chr7:92,065,399, plus strand): 5'-ATGTGGAAGAACAAGTCAGTAGGTTTATAGAGCTGGAACAAGAAAAAAATACTGAACTAA[T>C]GGATTTAAGACAGCAAAACCAAGCATTGGAAAAGCAGTTAGAAAAAATGAGAAAATTTTT-3'
Protein context (NP_005742.4, residues 2039-2059): ELEQEKNTEL[Met2049Thr]DLRQQNQALE

ClinVar aggregate classification (germline): Conflicting classifications of pathogenicity. Review status: criteria provided, conflicting classifications (1 of 4 stars). 2 submissions from 2 submitters: Uncertain significance (1); Likely benign (1). Last evaluated 2025-02-28.

Conditions:
Cardiovascular phenotype. Identifiers: MedGen CN230736.
Long QT syndrome (LQTS). Identifiers: MedGen C0023976, MeSH D008133, MONDO:0002442. Disease mechanism: loss of function. Inheritance: Various modes of inheritance.

Allele frequency attached by ClinVar (database versions not stated): gnomAD exomes below 0.00001.
gnomAD v4.1: 1 of 1,612,970 alleles (0.000062%); highest among the groups gnomAD compares: East Asian, 0.0022%; no homozygotes.

Submissions (2):

Ambry Genetics
Classification: Likely benign for Cardiovascular phenotype. Last evaluated: 2025-02-28. Review status: criteria provided, single submitter. Criteria: Ambry Variant Classification Scheme 2023. Collection method: clinical testing. Allele origin: germline.

Labcorp Genetics (formerly Invitae), Labcorp
Classification: Uncertain significance for Long QT syndrome. Last evaluated: 2019-10-27. Review status: criteria provided, single submitter. Criteria: Invitae Variant Classification Sherloc (09022015). Collection method: clinical testing. Allele origin: germline.
Comment: This sequence change replaces methionine with threonine at codon 2049 of the AKAP9 protein (p.Met2049Thr). The methionine residue is weakly conserved and there is a moderate physicochemical difference between methionine and threonine. This variant is not present in population databases (ExAC no frequency). This variant has not been reported in the literature in individuals with AKAP9-related conditions. Algorithms developed to predict the effect of missense changes on protein structure and function output the following: SIFT: "Tolerated"; PolyPhen-2: "Benign"; Align-GVGD: "Class C0". The threonine amino acid residue is found in multiple mammalian species, suggesting that this missense change does not adversely affect protein function. These predictions have not been confirmed by published functional studies and their clinical significance is uncertain. In summary, the available evidence is currently insufficient to determine the role of this variant in disease. Therefore, it has been classified as a Variant of Uncertain Significance.